The following is an entry in ClinVar:

NM_000535.7(PMS2):c.1070C>G (p.Thr357Ser)

Gene: PMS2 (PMS1 homolog 2, mismatch repair system component; minus strand). Cytogenetic location: 7p22.1.
Variant type: single nucleotide variant.
Coding change: c.1070C>G on transcript NM_000535.7 (MANE Select); coding-DNA position 1070, C replaced by G.
Protein change: p.Thr357Ser; replaces threonine 357 with serine.
Molecular consequence: missense variant. On other transcripts: non-coding transcript variant (1), intron variant (2).
Genome position (GRCh38, 1-based): chr7:5,989,874, G>C on the plus strand (C>G on the coding strand, the complement: PMS2 is on the minus strand). VCF-style: chr7-5989874-G-C. GRCh37 (hg19) VCF-style: chr7-6029505-G-C.
Other names: c.665C>G, p.Thr222Ser (NM_001322003.2, NM_001322004.2, NM_001322005.2 and 1 more transcripts); c.752C>G, p.Thr251Ser (NM_001322007.2, NM_001322008.2); c.137C>G, p.Thr46Ser (NM_001322011.2, NM_001322012.2); c.497C>G, p.Thr166Ser (NM_001322013.2); c.1070C>G, p.Thr357Ser (NM_001322014.2); c.761C>G, p.Thr254Ser (NM_001322015.2); c.583+2099C>G (NM_001322010.2); c.988+2099C>G (NM_001322006.2); short protein forms T357S, T166S, T46S, T251S, T254S, T222S.
Identifiers: ClinVar variation 484316 (VCV000484316.12), dbSNP rs980612510, ClinGen allele CA366742870.

ClinVar aggregate classification (germline): Uncertain significance. Review status: criteria provided, multiple submitters, no conflicts (2 of 4 stars). 3 submissions from 3 submitters: Uncertain significance (3). Last evaluated 2025-11-09.

Conditions:
Hereditary nonpolyposis colorectal neoplasms. Identifiers: MedGen C0009405, MeSH D003123.
Hereditary cancer-predisposing syndrome. Also called: Neoplastic Syndromes, Hereditary; Tumor predisposition; Hereditary Cancer Syndrome; Hereditary neoplastic syndrome. Identifiers: Orphanet 140162, MedGen C0027672, MeSH D009386, MONDO:0015356.

Submissions (3):

Labcorp Genetics (formerly Invitae), Labcorp
Classification: Uncertain significance for Hereditary nonpolyposis colorectal neoplasms. Last evaluated: 2025-11-09. Review status: criteria provided, single submitter. Criteria: Invitae Variant Classification Sherloc (09022015). Collection method: clinical testing. Allele origin: germline.
Comment: This sequence change replaces threonine, which is neutral and polar, with serine, which is neutral and polar, at codon 357 of the PMS2 protein (p.Thr357Ser). This variant is not present in population databases (gnomAD no frequency). This variant has not been reported in the literature in individuals affected with PMS2-related conditions. ClinVar contains an entry for this variant (Variation ID: 484316). Invitae Evidence Modeling incorporating data from in vitro experimental studies (internal data) indicates that this missense variant is not expected to disrupt PMS2 function with a negative predictive value of 95%. In summary, the available evidence is currently insufficient to determine the role of this variant in disease. Therefore, it has been classified as a Variant of Uncertain Significance.

GeneDx
Classification: Uncertain significance. Last evaluated: 2024-02-21. Review status: criteria provided, single submitter. Criteria: GeneDx Variant Classification Process June 2021. Collection method: clinical testing. Allele origin: germline. Affected: yes.
Comment: Not observed at significant frequency in large population cohorts (gnomAD); In silico analysis supports that this missense variant does not alter protein structure/function; Has not been previously published as pathogenic or benign to our knowledge; This variant is associated with the following publications: (PMID: 11574484)

Ambry Genetics
Classification: Uncertain significance for Hereditary cancer-predisposing syndrome. Last evaluated: 2024-02-02. Review status: criteria provided, single submitter. Criteria: Ambry Variant Classification Scheme 2023. Collection method: clinical testing. Allele origin: germline.
Comment: The p.T357S variant (also known as c.1070C>G), located in coding exon 10 of the PMS2 gene, results from a C to G substitution at nucleotide position 1070. The threonine at codon 357 is replaced by serine, an amino acid with similar properties. This amino acid position is well conserved in available vertebrate species. In addition, the in silico prediction for this alteration is inconclusive. Since supporting evidence is limited at this time, the clinical significance of this alteration remains unclear.